The following is an entry in ClinVar:

NM_000274.4(OAT):c.780del (p.Phe260fs)

Gene: OAT (ornithine aminotransferase; minus strand). Cytogenetic location: 10q26.13.
Variant type: Deletion.
Coding change: c.780del on transcript NM_000274.4 (MANE Select); coding-DNA position 780, one base deleted (T; older notation c.780delT).
Protein change: p.Phe260fs; shifts the reading frame from phenylalanine 260.
Molecular consequence: frameshift variant.
Genome position (GRCh38, 1-based): chr10:124,403,047, A deleted on the plus strand (T on the coding strand, the reverse complement: OAT is on the minus strand); the first of 3 consecutive A bases (chr10:124,403,047-124,403,049); deleting any one gives the same sequence. VCF-style (leftmost placement, unchanged base first): chr10-124403046-TA-T. GRCh37 (hg19) VCF-style: chr10-126091615-TA-T.
Other names: c.366del, p.Phe122fs (NM_001171814.2); c.780del, p.Phe260fs (NM_001322965.2, NM_001322966.2, NM_001322967.2 and 3 more transcripts); c.459del, p.Phe153fs (NM_001322971.2); c.180del, p.Phe60fs (NM_001322974.2); short protein forms F122fs, F153fs, F260fs, F60fs.
Identifiers: ClinVar variation 1072300 (VCV001072300.10), dbSNP rs2134456707, ClinGen allele CA2499220185.

ClinVar aggregate classification (germline): Pathogenic/Likely pathogenic. Review status: criteria provided, multiple submitters, no conflicts (2 of 4 stars). 3 submissions from 3 submitters: Pathogenic (1); Likely pathogenic (2). Last evaluated 2023-09-08.

Conditions:
OAT-related disorder. Also called: OAT-related condition.
Ornithine aminotransferase deficiency (GACR). Also called: OAT DEFICIENCY; HYPERORNITHINEMIA WITH GYRATE ATROPHY OF CHOROID AND RETINA; OKT DEFICIENCY; Ornithine ketoacid aminotransferase deficiency; Gyrate atrophy; Gyrate atrophy of choroid and retina. Identifiers: Orphanet 414, MedGen C0018425, MONDO:0009796, OMIM 258870.

Submissions (3):

Blueprint Genetics
Classification: Likely pathogenic for OAT-related disorders. Last evaluated: 2023-09-08. Review status: criteria provided, single submitter. Criteria: ACMG Guidelines, 2015. Collection method: clinical testing. Allele origin: germline. Affected: yes. Observed: 1 variant allele.

Baylor Genetics
Classification: Likely pathogenic for Ornithine aminotransferase deficiency. Last evaluated: 2023-01-08. Review status: criteria provided, single submitter. Criteria: ACMG Guidelines, 2015. Collection method: clinical testing. Allele origin: unknown.

Labcorp Genetics (formerly Invitae), Labcorp
Classification: Pathogenic for Ornithine aminotransferase deficiency. Last evaluated: 2022-02-24. Review status: criteria provided, single submitter. Criteria: Invitae Variant Classification Sherloc (09022015). Collection method: clinical testing. Allele origin: germline.
Comment: This sequence change creates a premature translational stop signal (p.Phe260Leufs*28) in the OAT gene. It is expected to result in an absent or disrupted protein product. Loss-of-function variants in OAT are known to be pathogenic (PMID: 1737786, 23076989). This variant is not present in population databases (gnomAD no frequency). This variant has not been reported in the literature in individuals affected with OAT-related conditions. ClinVar contains an entry for this variant (Variation ID: 1072300). For these reasons, this variant has been classified as Pathogenic.

Literature cited by the submitters: PubMed 1737786 (cited by Labcorp Genetics (formerly Invitae), Labcorp); PubMed 23076989 (cited by Labcorp Genetics (formerly Invitae), Labcorp).